The following is an entry in ClinVar:

NM_004364.5(CEBPA):c.175G>T (p.Glu59Ter)

Gene: CEBPA (CCAAT enhancer binding protein alpha; minus strand). Cytogenetic location: 19q13.11.
Variant type: single nucleotide variant.
Coding change: c.175G>T on transcript NM_004364.5 (MANE Select); coding-DNA position 175, G replaced by T.
Protein change: p.Glu59Ter; replaces glutamic acid 59 with a stop codon.
Molecular consequence: nonsense. On other transcripts: 5 prime UTR variant (1).
Genome position (GRCh38, 1-based): chr19:33,302,240, C>A on the plus strand (G>T on the coding strand, the complement: CEBPA is on the minus strand). VCF-style: chr19-33302240-C-A. GRCh37 (hg19) VCF-style: chr19-33793146-C-A.
Other names: c.-183G>T (NM_001285829.2); c.280G>T, p.Glu94Ter (NM_001287424.2); c.133G>T, p.Glu45Ter (NM_001287435.2); short protein forms E45*, E59*, E94*.
Identifiers: ClinVar variation 988408 (VCV000988408.7), dbSNP rs1210600080, ClinGen allele CA405275521.

ClinVar aggregate classification (germline): Pathogenic. Review status: criteria provided, multiple submitters, no conflicts (2 of 4 stars). 2 submissions from 2 submitters: Pathogenic (2). Last evaluated 2021-12-15.

Conditions:
Acute myeloid leukemia (AML). Also called: Acute myeloid leukemia, adult; AML adult; Acute non-lymphocytic leukemia; Acute granulocytic leukemia; Leukemia, acute myelogenous, somatic; Leukemia, acute myeloid, somatic. Identifiers: Orphanet 519, MedGen C0023467, MeSH D015470, MONDO:0018874, OMIM 601626, HP:0004808. Disease mechanism: Constitutively activated FLT3.

Submissions (2):

Labcorp Genetics (formerly Invitae), Labcorp
Classification: Pathogenic for Acute myeloid leukemia. Last evaluated: 2021-12-15. Review status: criteria provided, single submitter. Criteria: Invitae Variant Classification Sherloc (09022015). Collection method: clinical testing. Allele origin: germline.
Comment: This sequence change creates a premature translational stop signal (p.Glu59*) in the CEBPA gene. While this is not anticipated to result in nonsense mediated decay, it is expected to disrupt the last 300 amino acid(s) of the CEBPA protein. This variant is not present in population databases (gnomAD no frequency). This variant has not been reported in the literature in individuals affected with CEBPA-related conditions. ClinVar contains an entry for this variant (Variation ID: 988408). This variant disrupts the production of the full length isoform (p42) of the CEBPA protein, which results in the preferential usage of an alternate downstream in-frame methionine at codon 120. Translation starting from this methionine results in a 30 kDa N-terminal truncated isoform of CEBPA that lacks the TAD1 domain, and has been shown to abrogate CEBPA function by acting as a dominant-negative allele (PMID: 11242107, 26162409, 11242107). While functional studies have not been performed to directly test the effect of this variant on CEBPA protein function, this suggests that disruption of this region of the protein is causative of disease. This variant disrupts the region of the CEBPA protein between codon 1 and 120. Other variants in this region have been observed in individuals with autosomal dominant CEBPA-related conditions (PMID: 11242107, 31867767, 32430494; Invitae), which suggests that this may be a clinically significant region of the protein. For these reasons, this variant has been classified as Pathogenic.

Clinical Genetics and Genomics, Karolinska University Hospital
Classification: Pathogenic. Last evaluated: 2019-12-18. Review status: criteria provided, single submitter. Criteria: ACMG Guidelines, 2015. Collection method: clinical testing. Allele origin: germline. Affected: yes. Observed: 1 variant allele.

Literature cited by the submitters: PubMed 11242107 (cited by Labcorp Genetics (formerly Invitae), Labcorp); PubMed 26162409 (cited by Labcorp Genetics (formerly Invitae), Labcorp); PubMed 31867767 (cited by Labcorp Genetics (formerly Invitae), Labcorp); PubMed 32430494 (cited by Labcorp Genetics (formerly Invitae), Labcorp).